The following is an entry in ClinVar:

ClinVar aggregate classification (germline): Uncertain significance (1 of 4 stars; one submission).

Allele frequency attached by ClinVar (database versions not stated): gnomAD exomes below 0.00001; gnomAD 0.00001; ExAC 0.00002.
gnomAD v4.1: 3 of 1,613,312 alleles (0.00019%); highest among the groups gnomAD compares: Non-Finnish European, 0.00025%; no homozygotes.

Submission:

Labcorp Genetics (formerly Invitae), Labcorp
Classification: Uncertain significance. Last evaluated: 2022-06-14. Review status: criteria provided, single submitter. Criteria: Invitae Variant Classification Sherloc (09022015). Collection method: clinical testing. Allele origin: germline.
Comment: In summary, the available evidence is currently insufficient to determine the role of this variant in disease. Therefore, it has been classified as a Variant of Uncertain Significance. Experimental studies and prediction algorithms are not available or were not evaluated, and the functional significance of this variant is currently unknown. This variant has not been reported in the literature in individuals affected with COL18A1-related conditions. This variant is present in population databases (rs764931290, gnomAD 0.002%). This sequence change replaces serine, which is neutral and polar, with cysteine, which is neutral and slightly polar, at codon 136 of the COL18A1 protein (p.Ser136Cys).

NM_001379500.1(COL18A1):c.407C>G (p.Ser136Cys)

Gene: COL18A1 (collagen type XVIII alpha 1 chain; plus strand). Cytogenetic location: 21q22.3.
Variant type: single nucleotide variant.
Coding change: c.407C>G on transcript NM_001379500.1 (MANE Select); coding-DNA position 407, C replaced by G.
Protein change: p.Ser136Cys; replaces serine 136 with cysteine.
Molecular consequence: missense variant.
Genome position (GRCh38, 1-based): chr21:45,468,542, C>G. VCF-style: chr21-45468542-C-G. GRCh37 (hg19) VCF-style: chr21-46888456-C-G.
Other names: c.947C>G, p.Ser316Cys (NM_030582.4); c.1652C>G, p.Ser551Cys (NM_130444.3); short protein forms S316C, S136C, S551C.
Identifiers: ClinVar variation 2006529 (VCV002006529.4), dbSNP rs764931290, ClinGen allele CA10065743.
Genomic context (GRCh38, chr21:45,468,542, plus strand): 5'-AGGCCATGGTCTTGCTGGGCGTGAAGCTCTCTGGGGTGCAGGACGGGCACCAGGACATCT[C>G]CCTGCTCTACACAGAACCAGGTGCAGGCCAGACCCACACAGCCGCCAGCTTCCGGCTCCC-3'
Protein context (NP_001366429.1, residues 126-146): SGVQDGHQDI[Ser136Cys]LLYTEPGAGQ